The following is an entry in ClinVar:

ClinVar aggregate classification (germline): Benign. Review status: criteria provided, multiple submitters, no conflicts (2 of 4 stars). 2 submissions from 2 submitters: Benign (2). Last evaluated 2018-01-13.

Conditions:
Microcytic anemia with liver iron overload. Also called: Anemia, hypochromic microcytic, with iron overload 1. Identifiers: Orphanet 83642, MedGen C3806153, MONDO:0008787, OMIM 206100.

Allele frequency attached by ClinVar (database versions not stated): gnomAD 0.16154 and 0.16892; gnomAD exomes 0.20480 and 0.16428; ExAC 0.24155; TOPMed 0.16509; 1000 Genomes Project 30x 0.23907; 1000 Genomes Project 0.24780.
gnomAD v4.1: 211,621 of 1,279,300 alleles (17%); highest among the groups gnomAD compares: East Asian, 50%; 19,273 homozygotes.

Submissions (2):

Illumina Laboratory Services, Illumina
Classification: Benign for Microcytic anemia with liver iron overload. Last evaluated: 2018-01-13. Review status: criteria provided, single submitter. Criteria: ICSL Variant Classification Criteria 13 December 2019. Collection method: clinical testing. Allele origin: germline.
Comment: This variant was observed in the ICSL laboratory as part of a predisposition screen in an ostensibly healthy population. It had not been previously curated by ICSL or reported in the Human Gene Mutation Database (HGMD: prior to June 1st, 2018), and was therefore a candidate for classification through an automated scoring system. Utilizing variant allele frequency, disease prevalence and penetrance estimates, and inheritance mode, an automated score was calculated to assess if this variant is too frequent to cause the disease. Based on the score and internal cut-off values, a variant classified as benign is not then subjected to further curation. The score for this variant resulted in a classification of benign for this disease.

Breakthrough Genomics
Classification: Benign. Review status: criteria provided, single submitter. Criteria: ACMG Guidelines, 2015. Collection method: not provided. Allele origin: germline. Inheritance: Autosomal recessive inheritance. Affected: yes.

NM_000617.3(SLC11A2):c.*390G>A

Gene: SLC11A2 (solute carrier family 11 member 2; minus strand). Cytogenetic location: 12q13.12.
Variant type: single nucleotide variant.
Coding change: c.*390G>A on transcript NM_000617.3 (MANE Select); 390 bases downstream of the stop codon, G replaced by A.
Molecular consequence: 3 prime UTR variant. On other transcripts: non-coding transcript variant (4), intron variant (8).
Genome position (GRCh38, 1-based): chr12:50,987,935, C>T on the plus strand (G>A on the coding strand, the complement: SLC11A2 is on the minus strand). VCF-style: chr12-50987935-C-T. GRCh37 (hg19) VCF-style: chr12-51381718-C-T.
Other names: c.*390G>A (NM_001174125.2, NM_001174128.2, NM_001174129.2 and 6 more transcripts); c.1716+447G>A (NM_001379446.1); c.1518+447G>A (NM_001414747.1); c.1629+447G>A (NM_001174127.2, NM_001174126.2, NM_001379447.2); c.*25+365G>A (NM_001414744.1, NM_001414746.1); c.1617+447G>A (NM_001379448.1).
Identifiers: ClinVar variation 309299 (VCV000309299.6), dbSNP rs224446, ClinGen allele CA6566396.